The following is an entry in ClinVar:

NM_017635.5(KMT5B):c.139G>T (p.Val47Phe)

Gene: KMT5B (lysine methyltransferase 5B; minus strand). Cytogenetic location: 11q13.2.
Variant type: single nucleotide variant.
Coding change: c.139G>T on transcript NM_017635.5 (MANE Select); coding-DNA position 139, G replaced by T.
Protein change: p.Val47Phe; replaces valine 47 with phenylalanine.
Molecular consequence: missense variant. On other transcripts: 5 prime UTR variant (8), non-coding transcript variant (3), intron variant (2).
Genome position (GRCh38, 1-based): chr11:68,189,938, C>A on the plus strand (G>T on the coding strand, the complement: KMT5B is on the minus strand). VCF-style: chr11-68189938-C-A. GRCh37 (hg19) VCF-style: chr11-67957405-C-A.
Other names: c.-446G>T (NM_001300907.1); c.-529G>T (NM_001300908.2); c.139G>T, p.Val47Phe (NM_001300909.2, NM_001363566.2, NM_001369426.1 and 2 more transcripts); c.-525G>T (NM_001369424.1, NM_001369431.1, NM_001369432.1); c.-739G>T (NM_001369428.1); c.-230G>T (NM_001369429.1); c.-1040G>T (NM_001369433.1); c.-434-4010G>T (NM_001369430.1); and 1 more; short protein forms V47F.
Identifiers: ClinVar variation 3900920 (VCV003900920.1).

ClinVar aggregate classification (germline): Uncertain significance (1 of 4 stars; one submission).

Submission:

GeneDx
Classification: Uncertain significance. Last evaluated: 2024-11-26. Review status: criteria provided, single submitter. Criteria: GeneDx Variant Classification Process June 2021. Collection method: clinical testing. Allele origin: germline. Affected: yes.
Comment: Not observed at significant frequency in large population cohorts (gnomAD); In silico analysis indicates that this missense variant does not alter protein structure/function; Has not been previously published as pathogenic or benign to our knowledge